The following is an entry in ClinVar:

ClinVar aggregate classification (germline): Likely benign. Review status: reviewed by expert panel (3 of 4 stars). 5 submissions from 5 submitters: Likely benign (1). 4 of the submissions do not count toward it. Last evaluated 2017-06-29.

Conditions:
Hereditary cancer-predisposing syndrome. Also called: Tumor predisposition; Hereditary Cancer Syndrome; Hereditary neoplastic syndrome; Neoplastic Syndromes, Hereditary. Identifiers: Orphanet 140162, MedGen C0027672, MeSH D009386, MONDO:0015356.
Hereditary breast ovarian cancer syndrome. Also called: Hereditary breast and ovarian cancer; Breast and ovarian cancer; BRCA1- and BRCA2-Associated Hereditary Breast and Ovarian Cancer; Hereditary breast and ovarian cancer syndrome; Hereditary breast and ovarian cancer syndrome (HBOC); Hereditary breast and/or ovarian cancer syndrome. Identifiers: Orphanet 145, MedGen C0677776, MeSH D061325, MONDO:0003582. Disease mechanism: loss of function.
Breast-ovarian cancer, familial, susceptibility to, 2 (BROVCA2). Also called: BRCA2 Hereditary Breast and Ovarian Cancer. Identifiers: Orphanet 145, MedGen C2675520, MONDO:0012933, OMIM 612555. Disease mechanism: loss of function.

Submissions (5):

Evidence-based Network for the Interpretation of Germline Mutant Alleles (ENIGMA)
Classification: Likely benign for Breast-ovarian cancer, familial, susceptibility to, 2. Last evaluated: 2017-06-29. Review status: reviewed by expert panel. Criteria: ENIGMA BRCA1/2 Classification Criteria (2017-06-29). Collection method: curation. Allele origin: germline.
Comment: Synonymous substitution variant, with low bioinformatic likelihood to result in a splicing aberration (Splicing prior probability 0.02).

Color Diagnostics, LLC DBA Color Health
Classification: Likely benign for Hereditary cancer-predisposing syndrome. Last evaluated: 2024-09-09. Review status: criteria provided, single submitter. Criteria: ACMG Guidelines, 2015. Collection method: clinical testing. Allele origin: germline. Not counted in ClinVar's aggregate classification.

Labcorp Genetics (formerly Invitae), Labcorp
Classification: Likely benign for Hereditary breast ovarian cancer syndrome. Last evaluated: 2022-08-23. Review status: criteria provided, single submitter. Criteria: Invitae Variant Classification Sherloc (09022015). Collection method: clinical testing. Allele origin: germline. Not counted in ClinVar's aggregate classification.

Ambry Genetics
Classification: Likely benign for Hereditary cancer-predisposing syndrome. Last evaluated: 2021-02-18. Review status: criteria provided, single submitter. Criteria: Ambry Variant Classification Scheme 2023. Collection method: clinical testing. Allele origin: germline. Not counted in ClinVar's aggregate classification.

GeneDx
Classification: Likely benign. Last evaluated: 2018-03-05. Review status: criteria provided, single submitter. Criteria: GeneDx Variant Classification (06012015). Collection method: clinical testing. Allele origin: germline. Affected: yes. Not counted in ClinVar's aggregate classification.
Comment: This variant is considered likely benign or benign based on one or more of the following criteria: it is a conservative change, it occurs at a poorly conserved position in the protein, it is predicted to be benign by multiple in silico algorithms, and/or has population frequency not consistent with disease.

NM_000059.4(BRCA2):c.2409T>C (p.Tyr803=)

Gene: BRCA2 (BRCA2 DNA repair associated; plus strand). Cytogenetic location: 13q13.1.
Variant type: single nucleotide variant.
Coding change: c.2409T>C on transcript NM_000059.4 (MANE Select); coding-DNA position 2409, T replaced by C.
Protein change: p.Tyr803=; no amino-acid change (tyrosine 803 retained).
Molecular consequence: synonymous variant.
Genome position (GRCh38, 1-based): chr13:32,336,764, T>C. VCF-style: chr13-32336764-T-C. GRCh37 (hg19) VCF-style: chr13-32910901-T-C.
Identifiers: ClinVar variation 236840 (VCV000236840.16), dbSNP rs80358504, ClinGen allele CA10583082.